The following is an entry in ClinVar:

ClinVar aggregate classification (germline): Likely benign (0 of 4 stars; one submission).

Conditions:
BCLAF1-related disorder. Also called: BCLAF1-related condition.

Allele frequency attached by ClinVar (database versions not stated): TOPMed 0.00013; gnomAD 0.00015; gnomAD exomes 0.00015; 1000 Genomes Project 0.00040; 1000 Genomes Project 30x 0.00047.
gnomAD v4.1: 245 of 1,602,378 alleles (0.015%); highest among the groups gnomAD compares: East Asian, 0.32%; no homozygotes.

Submission:

PreventionGenetics, part of Exact Sciences
Classification: Likely benign for BCLAF1-related condition. Last evaluated: 2023-05-19. Review status: no assertion criteria provided. Collection method: clinical testing. Allele origin: germline.
Comment: This variant is classified as likely benign based on ACMG/AMP sequence variant interpretation guidelines (Richards et al. 2015 PMID: 25741868, with internal and published modifications).

NM_014739.3(BCLAF1):c.2290C>A (p.Arg764=)

Gene: BCLAF1 (BCL2 associated transcription factor 1; minus strand). Cytogenetic location: 6q23.3.
Variant type: single nucleotide variant.
Coding change: c.2290C>A on transcript NM_014739.3 (MANE Select); coding-DNA position 2290, C replaced by A.
Protein change: p.Arg764=; no amino-acid change (arginine 764 retained).
Molecular consequence: synonymous variant. On other transcripts: non-coding transcript variant (7).
Genome position (GRCh38, 1-based): chr6:136,268,269, G>T on the plus strand (C>A on the coding strand, the complement: BCLAF1 is on the minus strand). VCF-style: chr6-136268269-G-T. GRCh37 (hg19) VCF-style: chr6-136589407-G-T.
Other names: c.2284C>A, p.Arg762= (NM_001077440.3, NM_001301038.3); c.1771C>A, p.Arg591= (NM_001077441.3, NM_001386697.1, NM_001386702.1 and 1 more transcripts); c.2290C>A, p.Arg764= (NM_001363659.3, NM_001386700.1, NM_001386701.1); c.2287C>A, p.Arg763= (NM_001386693.1, NM_001386694.1); c.1768C>A, p.Arg590= (NM_001386695.1); c.1765C>A, p.Arg589= (NM_001386696.1, NM_001386698.1, NM_001386703.1); c.1087C>A, p.Arg363= (NM_001386699.1).
Identifiers: ClinVar variation 3049154 (VCV003049154.2), dbSNP rs149673256, ClinGen allele CA4014204.
Genomic context (GRCh38, chr6:136,268,269, plus strand): 5'-TCATTTCATGGTGAGTTTTAAATTCTTCTTCTCTTTCCTTCTTACTCTCCTTTTCTTCTC[G>T]AGAACTGGGAGAAGAAGGTGATGCTGAAGAGGATGAAGATCGAGAATGATCTTGCTCTCT-3'
Protein context (NP_055554.1, residues 754-774): SSASPSSPSS[Arg764=]EEKESKKERE